The following is an entry in ClinVar:

ClinVar aggregate classification (germline): Uncertain significance (1 of 4 stars; one submission).

Allele frequency attached by ClinVar (database versions not stated): gnomAD exomes below 0.00001.

Submission:

Labcorp Genetics (formerly Invitae), Labcorp
Classification: Uncertain significance. Last evaluated: 2023-12-26. Review status: criteria provided, single submitter. Criteria: Invitae Variant Classification Sherloc (09022015). Collection method: clinical testing. Allele origin: germline.
Comment: This sequence change replaces histidine, which is basic and polar, with proline, which is neutral and non-polar, at codon 22 of the WDR11 protein (p.His22Pro). This variant is present in population databases (no rsID available, gnomAD 0.003%). This variant has not been reported in the literature in individuals affected with WDR11-related conditions. An algorithm developed to predict the effect of missense changes on protein structure and function (PolyPhen-2) suggests that this variant is likely to be tolerated. In summary, the available evidence is currently insufficient to determine the role of this variant in disease. Therefore, it has been classified as a Variant of Uncertain Significance.

NM_018117.12(WDR11):c.65A>C (p.His22Pro)

Gene: WDR11 (WD repeat domain 11; plus strand). Cytogenetic location: 10q26.12.
Variant type: single nucleotide variant.
Coding change: c.65A>C on transcript NM_018117.12 (MANE Select); coding-DNA position 65, A replaced by C.
Protein change: p.His22Pro; replaces histidine 22 with proline.
Molecular consequence: missense variant.
Genome position (GRCh38, 1-based): chr10:120,851,485, A>C. VCF-style: chr10-120851485-A-C. GRCh37 (hg19) VCF-style: chr10-122610997-A-C.
Other names: short protein forms H22P.
Identifiers: ClinVar variation 2992175 (VCV002992175.3), dbSNP rs1476909700, ClinGen allele CA378314486.